The following is an entry in ClinVar:

ClinVar aggregate classification (germline): Uncertain significance. Review status: criteria provided, multiple submitters, no conflicts (2 of 4 stars). 2 submissions from 2 submitters: Uncertain significance (2). Last evaluated 2024-04-09.

Conditions:
Neuroblastoma, susceptibility to, 3. Also called: ALK-Related Neuroblastic Tumor Susceptibility. Identifiers: Orphanet 635, MedGen C2751681, MONDO:0013083, OMIM 613014.
Hereditary cancer-predisposing syndrome. Also called: Tumor predisposition; Hereditary Cancer Syndrome; Neoplastic Syndromes, Hereditary; Hereditary neoplastic syndrome. Identifiers: Orphanet 140162, MedGen C0027672, MeSH D009386, MONDO:0015356.

Submissions (2):

Ambry Genetics
Classification: Uncertain significance for Hereditary cancer-predisposing syndrome. Last evaluated: 2024-04-09. Review status: criteria provided, single submitter. Criteria: Ambry Variant Classification Scheme 2023. Collection method: clinical testing. Allele origin: germline.
Comment: The p.G1201A variant (also known as c.3602G>C), located in coding exon 23 of the ALK gene, results from a G to C substitution at nucleotide position 3602. The glycine at codon 1201 is replaced by alanine, an amino acid with similar properties. This amino acid position is highly conserved in available vertebrate species. In addition, this alteration is predicted to be deleterious by in silico analysis. Based on the available evidence, the clinical significance of this variant remains unclear.

Labcorp Genetics (formerly Invitae), Labcorp
Classification: Uncertain significance for Neuroblastoma, susceptibility to, 3. Last evaluated: 2022-04-01. Review status: criteria provided, single submitter. Criteria: Invitae Variant Classification Sherloc (09022015). Collection method: clinical testing. Allele origin: germline.
Comment: In summary, the available evidence is currently insufficient to determine the role of this variant in disease. Therefore, it has been classified as a Variant of Uncertain Significance. Algorithms developed to predict the effect of missense changes on protein structure and function (SIFT, PolyPhen-2, Align-GVGD) all suggest that this variant is likely to be disruptive. This variant has not been reported in the literature in individuals affected with ALK-related conditions. This variant is not present in population databases (gnomAD no frequency). This sequence change replaces glycine, which is neutral and non-polar, with alanine, which is neutral and non-polar, at codon 1201 of the ALK protein (p.Gly1201Ala).

NM_004304.5(ALK):c.3602G>C (p.Gly1201Ala)

Gene: ALK (ALK receptor tyrosine kinase; minus strand). Cytogenetic location: 2p23.2.
Variant type: single nucleotide variant.
Coding change: c.3602G>C on transcript NM_004304.5 (MANE Select); coding-DNA position 3602, G replaced by C.
Protein change: p.Gly1201Ala; replaces glycine 1201 with alanine.
Molecular consequence: missense variant.
Genome position (GRCh38, 1-based): chr2:29,220,749, C>G on the plus strand (G>C on the coding strand, the complement: ALK is on the minus strand). VCF-style: chr2-29220749-C-G. GRCh37 (hg19) VCF-style: chr2-29443615-C-G.
Other names: c.398G>C, p.Gly133Ala (NM_001353765.2); c.3602G>C (NM_004304.4); short protein forms G1201A, G133A.
Identifiers: ClinVar variation 2120307 (VCV002120307.5), dbSNP rs1187025942, ClinGen allele CA346473030.